The following is an entry in ClinVar:

ClinVar aggregate classification (germline): Uncertain significance (1 of 4 stars; one submission).

Conditions:
Microcephaly, normal intelligence and immunodeficiency (NBS). Also called: Immunodeficiency, microcephaly with normal intelligence; Ataxia telangiectasia variant V1; BERLIN BREAKAGE SYNDROME; IMMUNODEFICIENCY, MICROCEPHALY, AND CHROMOSOMAL INSTABILITY; SEEMANOVA SYNDROME II; Microcephaly with normal intelligence immunodeficiency and lymphoreticular malignancies. Identifiers: Orphanet 647, MedGen C0398791, MONDO:0009623, OMIM 251260.

Submission:

Labcorp Genetics (formerly Invitae), Labcorp
Classification: Uncertain significance for Microcephaly, normal intelligence and immunodeficiency. Last evaluated: 2022-06-15. Review status: criteria provided, single submitter. Criteria: Invitae Variant Classification Sherloc (09022015). Collection method: clinical testing. Allele origin: germline.
Comment: Algorithms developed to predict the effect of missense changes on protein structure and function output the following: SIFT: "Tolerated"; PolyPhen-2: "Benign"; Align-GVGD: "Class C0". The glycine amino acid residue is found in multiple mammalian species, which suggests that this missense change does not adversely affect protein function. In summary, the available evidence is currently insufficient to determine the role of this variant in disease. Therefore, it has been classified as a Variant of Uncertain Significance. This variant has not been reported in the literature in individuals affected with NBN-related conditions. This sequence change replaces arginine, which is basic and polar, with glycine, which is neutral and non-polar, at codon 546 of the NBN protein (p.Arg546Gly). This variant is not present in population databases (gnomAD no frequency).

NM_002485.5(NBN):c.1636A>G (p.Arg546Gly)

Gene: NBN (nibrin; minus strand). Cytogenetic location: 8q21.3.
Variant type: single nucleotide variant.
Coding change: c.1636A>G on transcript NM_002485.5 (MANE Select); coding-DNA position 1636, A replaced by G.
Protein change: p.Arg546Gly; replaces arginine 546 with glycine.
Molecular consequence: missense variant.
Genome position (GRCh38, 1-based): chr8:89,953,453, T>C on the plus strand (A>G on the coding strand, the complement: NBN is on the minus strand). VCF-style: chr8-89953453-T-C. GRCh37 (hg19) VCF-style: chr8-90965681-T-C.
Other names: c.1390A>G, p.Arg464Gly (NM_001024688.3); short protein forms R546G, R464G.
Identifiers: ClinVar variation 2006891 (VCV002006891.4), dbSNP rs2488231471, ClinGen allele CA371655434.
Genomic context (GRCh38, chr8:89,953,453, plus strand): 5'-ACTGTTCCAATACTTCATCTTCTATGGCCACATCATCCATTTCCCTTTTTTTATTTGATC[T>C]TAGCTTTTCTGCAGCATGAGATTTACTGGCAGAATTTTTCACAATAGATTTTAAATCTGT-3'
Protein context (NP_002476.2, residues 536-556): ASKSHAAEKL[Arg546Gly]SNKKREMDDV